The following is an entry in ClinVar:

ClinVar aggregate classification (germline): Likely benign (0 of 4 stars; one submission).

Conditions:
FBN1-related disorder. Also called: FBN1-related disorders.

Submission:

PreventionGenetics, part of Exact Sciences
Classification: Likely benign for FBN1-related condition. Last evaluated: 2023-06-16. Review status: no assertion criteria provided. Collection method: clinical testing. Allele origin: germline.
Comment: This variant is classified as likely benign based on ACMG/AMP sequence variant interpretation guidelines (Richards et al. 2015 PMID: 25741868, with internal and published modifications).

NM_000138.5(FBN1):c.1714+8T>C

Gene: FBN1 (fibrillin 1; minus strand). Cytogenetic location: 15q21.1.
Variant type: single nucleotide variant.
Coding change: c.1714+8T>C on transcript NM_000138.5 (MANE Select); 8 bases into the intron after coding-DNA position 1714, T replaced by C.
Molecular consequence: intron variant.
Genome position (GRCh38, 1-based): chr15:48,510,036, A>G on the plus strand (T>C on the coding strand, the complement: FBN1 is on the minus strand). VCF-style: chr15-48510036-A-G. GRCh37 (hg19) VCF-style: chr15-48802233-A-G.
Other names: c.1714+8T>C (NM_001406716.1).
Identifiers: ClinVar variation 3044507 (VCV003044507.2), dbSNP rs2505605885, ClinGen allele CA2740096667.